The following is an entry in ClinVar:

ClinVar aggregate classification (germline): Uncertain significance (1 of 4 stars; one submission).

Conditions:
Microcephaly 27, primary, autosomal dominant. Identifiers: MedGen C5543051, MONDO:0030929, OMIM 619180.

Submission:

Neuberg Centre For Genomic Medicine, NCGM
Classification: Uncertain significance for Microcephaly 27, primary, autosomal dominant. Last evaluated: 2023-06-22. Review status: criteria provided, single submitter. Criteria: ACMG Guidelines, 2015. Collection method: clinical testing. Allele origin: germline. Inheritance: Autosomal dominant inheritance. Affected: yes.
Comment: The observed missense c.250G>A(p.Val84Met) variant in LMNB2 gene has not been reported previously as a pathogenic variant nor as a benign variant, to our knowledge. This variant is reported with the allele frequency of 0% in the gnomAD Exomes. The amino acid Val at position 84 is changed to a Met changing protein sequence and it might alter its composition and physico-chemical properties. The amino acid change p.Val84Met in LMNB2 is predicted as conserved by GERP++ and PhyloP across 100 vertebrates. Computational evidence (Polyphen - Not available, SIFT - Tolerated, and MutationTaster - Disease causing) predicts conflicting evidence on protein structure and function for this variant. For these reasons, this variant has been classified as Uncertain Significance.

NM_032737.4(LMNB2):c.250G>A (p.Val84Met)

Genes: LMNB2 (lamin B2; minus strand), LOC130063065 (ATAC-STARR-seq lymphoblastoid silent region 9791; plus strand). Cytogenetic location: 19p13.3.
Variant type: single nucleotide variant.
Coding change: c.250G>A on transcript NM_032737.4 (MANE Select); coding-DNA position 250, G replaced by A.
Protein change: p.Val84Met; replaces valine 84 with methionine.
Molecular consequence: missense variant.
Genome position (GRCh38, 1-based): chr19:2,456,684, C>T on the plus strand (G>A on the coding strand, the complement: LMNB2 is on the minus strand). VCF-style: chr19-2456684-C-T. GRCh37 (hg19) VCF-style: chr19-2456682-C-T.
Other names: short protein forms V84M.
Identifiers: ClinVar variation 3731527 (VCV003731527.1).
Genomic context (GRCh38, chr19:2,456,684, plus strand): 5'-GCCTGCCGGCTGCACCCCCGCCCGGCCCCTAAGCCCCGGCGCCCACCTCGCGCGTGGTCA[C>T]CTCCTCCTTCTCTGAGATCTTGAGCAGGAGCCGGTCGTTCTCCAGCTCCAGCGCGCGGAC-3'
Protein context (NP_116126.3, residues 74-94): LLLKISEKEE[Val84Met]TTREVSGIKA